The following is an entry in ClinVar:

NM_000104.4(CYP1B1):c.161del (p.Pro54fs)

Gene: CYP1B1 (cytochrome P450 family 1 subfamily B member 1; minus strand). Cytogenetic location: 2p22.2.
Variant type: Deletion.
Coding change: c.161del on transcript NM_000104.4 (MANE Select); coding-DNA position 161, one base deleted (C; older notation c.161delC).
Protein change: p.Pro54fs; shifts the reading frame from proline 54.
Molecular consequence: frameshift variant.
Genome position (GRCh38, 1-based): chr2:38,075,228, G deleted on the plus strand (C on the coding strand, the reverse complement: CYP1B1 is on the minus strand); the first of 3 consecutive G bases (chr2:38,075,228-38,075,230); deleting any one gives the same sequence. VCF-style (leftmost placement, unchanged base first): chr2-38075227-CG-C. GRCh37 (hg19) VCF-style: chr2-38302370-CG-C.
Other names: NM_000104.4:c.161del; short protein forms P54fs.
Identifiers: ClinVar variation 5018483 (VCV005018483.1).

ClinVar aggregate classification (germline): Pathogenic (3 of 4 stars; one submission).

Conditions:
CYP1B1-related glaucoma with or without anterior segment dysgenesis. Identifiers: MedGen CN375931, MONDO:0800472.

Submission:

ClinGen Glaucoma Variant Curation Expert Panel
Classification: Pathogenic for CYP1B1-related glaucoma with or without anterior segment dysgenesis. Last evaluated: 2026-10-12. Review status: reviewed by expert panel. Criteria: ClinGen Glaucoma ACMG Specifications CYP1B1 V2.0. Collection method: curation. Allele origin: germline. Inheritance: Autosomal recessive inheritance.
Comment: The c.161del variant in CYP1B1 is a deletion of a single nucleotide, predicted to encode a frameshift with consequent premature termination of the protein at codon 6 of the frameshift (p.Pro54ArgfsTer6). This variant was not found in any genetic ancestry group of gnomAD (v4.1), meeting the ≤ 0.0005 threshold set for PM2_Supporting in a genetic ancestry group of at least 2,000 alleles. This frameshift variant was predicted to undergo NMD, meeting PVS1. There was no functional evidence predicting a damaging or benign impact of this variant on CYP1B1 function. This variant has been identified in an individual with a CYP1B1-related phenotype. This individual is compound heterozygous for the variant and a pathogenic variant (phase unknown) (PMID: 11527932). Total proband points = 0.5, meeting PM3_Supporting. In summary, this variant met the criteria to receive a score of 10 and to be classified as pathogenic (pathogenic classification ≥ 10, adapted from PMID: 32720330) for CYP1B1-related glaucoma with or without anterior segment dysgenesis (ASD) based on the ACMG/AMP criteria met, as specified by the ClinGen Glaucoma VCEP (v2.0, 16.07.2026): PVS1, PM2_Supporting, PM3_Supporting.